The following is an entry in ClinVar:

ClinVar aggregate classification (germline): Likely benign (1 of 4 stars; one submission).

Conditions:
PHIP-related disorder. Also called: PHIP-related disorders; PHIP-related condition.

Submission:

PreventionGenetics, part of Exact Sciences
Classification: Likely benign for PHIP-related condition. Last evaluated: 2026-08-18. Review status: criteria provided, single submitter. Criteria: ACMG Guidelines, 2015. Collection method: clinical testing. Allele origin: germline.
Comment: This variant is classified as likely benign based on ACMG/AMP sequence variant interpretation guidelines (Richards et al. 2015 PMID: 25741868, with internal and published modifications).

NM_017934.7(PHIP):c.3782+9T>C

Genes: IRAK1BP1 (interleukin 1 receptor associated kinase 1 binding protein 1; plus strand), PHIP (PHIP subunit of CUL4-Ring ligase complex; minus strand). Cytogenetic location: 6q14.1.
Variant type: single nucleotide variant.
Coding change: c.3782+9T>C on transcript NM_017934.7 (MANE Select); 9 bases into the intron after coding-DNA position 3782, T replaced by C.
Molecular consequence: intron variant.
Genome position (GRCh38, 1-based): chr6:78,958,466, A>G on the plus strand (T>C on the coding strand, the complement: PHIP is on the minus strand). VCF-style: chr6-78958466-A-G. GRCh37 (hg19) VCF-style: chr6-79668183-A-G.
Identifiers: ClinVar variation 4981743 (VCV004981743.1).